The following is an entry in ClinVar:

NM_001267550.2(TTN):c.39915del (p.Val13306fs)

Gene: TTN (titin; minus strand). Cytogenetic location: 2q31.2.
Variant type: Deletion.
Coding change: c.39915del on transcript NM_001267550.2 (MANE Select); coding-DNA position 39915, one base deleted (A; older notation c.39915delA).
Protein change: p.Val13306fs; shifts the reading frame from valine 13306.
Molecular consequence: frameshift variant. On other transcripts: intron variant (5).
Genome position (GRCh38, 1-based): chr2:178,649,612, T deleted on the plus strand (A on the coding strand, the reverse complement: TTN is on the minus strand); the first of 3 consecutive T bases (chr2:178,649,612-178,649,614); deleting any one gives the same sequence. VCF-style (leftmost placement, unchanged base first): chr2-178649611-CT-C. GRCh37 (hg19) VCF-style: chr2-179514338-CT-C.
Other names: c.13283-7295del (NM_003319.4); c.13859-7295del (NM_133437.4); c.13658-7295del (NM_133432.3); c.32593+205del (NM_133378.4); c.35374+205del (NM_001256850.1); short protein forms V13306fs.
Identifiers: ClinVar variation 4785329 (VCV004785329.1).

ClinVar aggregate classification (germline): Likely pathogenic (1 of 4 stars; one submission).

Conditions:
Autosomal recessive limb-girdle muscular dystrophy type 2J (LGMDR10). Also called: Limb-girdle muscular dystrophy, type 2J; MUSCULAR DYSTROPHY, LIMB-GIRDLE, AUTOSOMAL RECESSIVE 10. Identifiers: Orphanet 140922, MedGen C1837342, MONDO:0012127, OMIM 608807.
Dilated cardiomyopathy 1G (CMD1G). Identifiers: Orphanet 154, MedGen C1858763, MONDO:0011400, OMIM 604145.

Submission:

Labcorp Genetics (formerly Invitae), Labcorp
Classification: Likely pathogenic for Dilated cardiomyopathy 1G; Autosomal recessive limb-girdle muscular dystrophy type 2J. Last evaluated: 2025-07-17. Review status: criteria provided, single submitter. Criteria: Invitae Variant Classification Sherloc (09022015). Collection method: clinical testing. Allele origin: germline.
Comment: This sequence change creates a premature translational stop signal (p.Val13306Leufs*4) in the TTN gene. While this is not anticipated to result in nonsense mediated decay, it is expected to create a truncated TTN protein. This variant is not present in population databases (gnomAD no frequency). This variant has not been reported in the literature in individuals affected with TTN-related conditions. Algorithms developed to predict the effect of sequence changes on RNA splicing suggest that this variant may disrupt the consensus splice site. This variant is located in the I band of TTN (PMID: 25589632). Truncating variants in this region have been reported in individuals affected with autosomal recessive centronuclear myopathy (PMID: 23975875, internal data). Truncating variants in this region have also been identified in individuals affected with autosomal dominant dilated cardiomyopathy and/or cardio-related conditions (PMID: 27869827, 32964742, internal data). In summary, the currently available evidence indicates that the variant is pathogenic, but additional data are needed to prove that conclusively. Therefore, this variant has been classified as Likely Pathogenic.

Literature cited by the submitters: PubMed 25589632; PubMed 23975875; PubMed 27869827; PubMed 32964742.